The following is an entry in ClinVar:

NM_000540.3(RYR1):c.6521A>C (p.Glu2174Ala)

Gene: RYR1 (ryanodine receptor 1; plus strand). Cytogenetic location: 19q13.2.
Variant type: single nucleotide variant.
Coding change: c.6521A>C on transcript NM_000540.3 (MANE Select); coding-DNA position 6521, A replaced by C.
Protein change: p.Glu2174Ala; replaces glutamic acid 2174 with alanine.
Molecular consequence: missense variant.
Genome position (GRCh38, 1-based): chr19:38,494,598, A>C. VCF-style: chr19-38494598-A-C. GRCh37 (hg19) VCF-style: chr19-38985238-A-C.
Other names: c.6521A>C, p.Glu2174Ala (NM_001042723.2); c.6521A>C (NM_000540.2); short protein forms E2174A.
Identifiers: ClinVar variation 1365969 (VCV001365969.7), dbSNP rs746226400, ClinGen allele CA068328.

ClinVar aggregate classification (germline): Uncertain significance. Review status: criteria provided, multiple submitters, no conflicts (2 of 4 stars). 3 submissions from 3 submitters: Uncertain significance (2). 1 of the submissions does not count toward it. Last evaluated 2024-03-05.

Conditions:
RYR1-related disorder. Also called: RYR1-related condition; RYR1-related disorders. Identifiers: MedGen CN239331.
Malignant hyperthermia, susceptibility to, 1 (MHS1). Also called: Malignant hyperthermia suceptibility 1; RYR1-Related Malignant Hyperthermia Susceptibility; Anesthesia related hyperthermia; Malignant hyperpyrexia; Fulminating hyperpyrexia; Pharmacogenic myopathy. Identifiers: Orphanet 423, MedGen C2930980, MONDO:0007783, OMIM 145600.

Allele frequency attached by ClinVar (database versions not stated): gnomAD exomes below 0.00001; ExAC 0.00001.
gnomAD v4.1: 4 of 1,614,118 alleles (0.00025%); highest among the groups gnomAD compares: Non-Finnish European, 0.00025%; no homozygotes.

Submissions (3):

All of Us Research Program, National Institutes of Health
Classification: Uncertain significance for Malignant hyperthermia, susceptibility to, 1. Last evaluated: 2024-03-05. Review status: criteria provided, single submitter. Criteria: ACMG Guidelines, 2015. Collection method: clinical testing. Allele origin: germline. Inheritance: Autosomal dominant inheritance. Observed: 3 variant alleles, 3 heterozygotes.
Comment: This missense variant replaces glutamic acid with alanine at codon 2174 of the RYR1 protein. Computational prediction suggests that this variant may have deleterious impact on protein structure and function (internally defined REVEL score threshold >= 0.7, PMID: 27666373). To our knowledge, functional studies have not been reported for this variant. This variant has not been reported in individuals affected with RYR1-related disorders in the literature. This variant has been identified in 1/249948 chromosomes in the general population by the Genome Aggregation Database (gnomAD). The available evidence is insufficient to determine the role of this variant in disease conclusively. Therefore, this variant is classified as a Variant of Uncertain Significance.

This study involves interpretation of variants in research participants for the purpose of population health screening. Participant phenotype was not available at the time of variant classification. Additional details can be found in publication PMID: 35346344, PMCID: PMC8962531

Labcorp Genetics (formerly Invitae), Labcorp
Classification: Uncertain significance for RYR1-related disorder. Last evaluated: 2021-11-13. Review status: criteria provided, single submitter. Criteria: Invitae Variant Classification Sherloc (09022015). Collection method: clinical testing. Allele origin: germline.
Comment: This sequence change replaces glutamic acid, which is acidic and polar, with alanine, which is neutral and non-polar, at codon 2174 of the RYR1 protein (p.Glu2174Ala). This variant is present in population databases (rs746226400, gnomAD 0.0009%). This variant has not been reported in the literature in individuals affected with RYR1-related conditions. Advanced modeling of protein sequence and biophysical properties (such as structural, functional, and spatial information, amino acid conservation, physicochemical variation, residue mobility, and thermodynamic stability) performed at Invitae indicates that this missense variant is expected to disrupt RYR1 protein function. In summary, the available evidence is currently insufficient to determine the role of this variant in disease. Therefore, it has been classified as a Variant of Uncertain Significance.

PreventionGenetics, part of Exact Sciences
Classification: Uncertain significance for RYR1-related condition. Last evaluated: 2024-01-11. Review status: no assertion criteria provided. Collection method: clinical testing. Allele origin: germline. Not counted in ClinVar's aggregate classification.
Comment: The RYR1 c.6521A>C variant is predicted to result in the amino acid substitution p.Glu2174Ala. This variant was reported in a malignant hyperthermia susceptible individual based on in vitro contracture testing (Schuster and Schneiderbanger. 2013. PubMed ID: 24053352). This variant is reported in 0.00089% of alleles in individuals of European (Non-Finnish) descent in gnomAD. At this time, the clinical significance of this variant is uncertain due to the absence of conclusive functional and genetic evidence.